The following is an entry in ClinVar:

NM_001267550.2(TTN):c.53791C>T (p.Gln17931Ter)

Genes: TTN-AS1 (TTN antisense RNA 1; plus strand), TTN (titin; minus strand). Cytogenetic location: 2q31.2.
Variant type: single nucleotide variant.
Coding change: c.53791C>T on transcript NM_001267550.2 (MANE Select); coding-DNA position 53791, C replaced by T.
Protein change: p.Gln17931Ter; replaces glutamine 17931 with a stop codon.
Molecular consequence: nonsense.
Genome position (GRCh38, 1-based): chr2:178,605,504, G>A on the plus strand (C>T on the coding strand, the complement: TTN is on the minus strand). VCF-style: chr2-178605504-G-A. GRCh37 (hg19) VCF-style: chr2-179470231-G-A.
Other names: c.48868C>T, p.Gln16290Ter (NM_001256850.1); c.26596C>T, p.Gln8866Ter (NM_003319.4); c.46087C>T, p.Gln15363Ter (NM_133378.4); c.26971C>T, p.Gln8991Ter (NM_133432.3); c.27172C>T, p.Gln9058Ter (NM_133437.4); short protein forms Q15363*, Q16290*, Q17931*, Q8866*, Q8991*, Q9058*.
Identifiers: ClinVar variation 3750808 (VCV003750808.2).

ClinVar aggregate classification (germline): Likely pathogenic (1 of 4 stars; one submission).

Conditions:
Autosomal recessive limb-girdle muscular dystrophy type 2J (LGMDR10). Also called: Limb-girdle muscular dystrophy, type 2J; MUSCULAR DYSTROPHY, LIMB-GIRDLE, AUTOSOMAL RECESSIVE 10. Identifiers: Orphanet 140922, MedGen C1837342, MONDO:0012127, OMIM 608807.
Dilated cardiomyopathy 1G (CMD1G). Identifiers: Orphanet 154, MedGen C1858763, MONDO:0011400, OMIM 604145.

Submission:

Labcorp Genetics (formerly Invitae), Labcorp
Classification: Likely pathogenic for Dilated cardiomyopathy 1G; Autosomal recessive limb-girdle muscular dystrophy type 2J. Last evaluated: 2025-03-05. Review status: criteria provided, single submitter. Criteria: Invitae Variant Classification Sherloc (09022015). Collection method: clinical testing. Allele origin: germline.
Comment: This sequence change creates a premature translational stop signal (p.Gln17931*) in the TTN gene. While this is not anticipated to result in nonsense mediated decay, it is expected to create a truncated TTN protein. This variant is not present in population databases (gnomAD no frequency). This variant has not been reported in the literature in individuals affected with TTN-related conditions. This variant is located in the A band of TTN (PMID: 25589632). Truncating variants in this region are significantly overrepresented in patients affected with dilated cardiomyopathy (PMID: 25589632). Truncating variants in this region have also been reported in individuals affected with autosomal recessive centronuclear myopathy (PMID: 23975875). In summary, the currently available evidence indicates that the variant is pathogenic, but additional data are needed to prove that conclusively. Therefore, this variant has been classified as Likely Pathogenic.

Literature cited by the submitters: PubMed 25589632; PubMed 23975875.